The following is an entry in ClinVar:

NM_201525.4(ADGRG1):c.620+11C>T

Gene: ADGRG1 (adhesion G protein-coupled receptor G1; plus strand). Cytogenetic location: 16q21.
Variant type: single nucleotide variant.
Coding change: c.620+11C>T on transcript NM_201525.4 (MANE Select); 11 bases into the intron after coding-DNA position 620, C replaced by T.
Molecular consequence: intron variant.
Genome position (GRCh38, 1-based): chr16:57,653,346, C>T. VCF-style: chr16-57653346-C-T. GRCh37 (hg19) VCF-style: chr16-57687258-C-T.
Other names: c.620+11C>T (NM_001370440.1, NM_001370428.1, NM_001370436.1 and 16 more transcripts); c.111-640C>T (NM_001290142.2); c.95+11C>T (NM_001370451.1, NM_001290143.2, NM_001370453.1 and 2 more transcripts); c.464+11C>T (NM_001370442.1); c.635+11C>T (NM_001370433.1, NM_001145773.3).
Identifiers: ClinVar variation 1034203 (VCV001034203.4), dbSNP rs200892904, ClinGen allele CA8078438.

ClinVar aggregate classification (germline): Conflicting classifications of pathogenicity. Review status: criteria provided, conflicting classifications (1 of 4 stars). 2 submissions from 2 submitters: Uncertain significance (1); Likely benign (1). Last evaluated 2026-01-05.

Conditions:
Polymicrogyria, bilateral perisylvian, autosomal recessive (CDCBM14B). Also called: CORTICAL DYSPLASIA, COMPLEX, WITH OTHER BRAIN MALFORMATIONS 14B (BILATERAL PERISYLVIAN). Identifiers: MedGen C3810405, MONDO:0014333, OMIM 615752.

Allele frequency attached by ClinVar (database versions not stated): TOPMed 0.00003; gnomAD 0.00004 and 0.00005; gnomAD exomes 0.00005; 1000 Genomes Project 30x 0.00016; 1000 Genomes Project 0.00020; ExAC 0.00007.
gnomAD v4.1: 48 of 1,606,896 alleles (0.003%); highest among the groups gnomAD compares: East Asian, 0.098%; no homozygotes.

Submissions (2):

Labcorp Genetics (formerly Invitae), Labcorp
Classification: Likely benign. Last evaluated: 2026-01-05. Review status: criteria provided, single submitter. Criteria: Invitae Variant Classification Sherloc (09022015). Collection method: clinical testing. Allele origin: germline.

Baylor Genetics
Classification: Uncertain significance for Polymicrogyria, bilateral perisylvian, autosomal recessive. Last evaluated: 2018-09-06. Review status: criteria provided, single submitter. Criteria: ACMG Guidelines, 2015. Collection method: clinical testing. Allele origin: maternal. Affected: yes.
Comment: This variant was determined to be of uncertain significance according to ACMG Guidelines, 2015 [PMID:25741868].